The following is an entry in ClinVar:

ClinVar aggregate classification (germline): Conflicting classifications of pathogenicity. Review status: criteria provided, conflicting classifications (1 of 4 stars). 3 submissions from 3 submitters: Uncertain significance (2); Likely benign (1). Last evaluated 2026-06-16.

Conditions:
Familial thoracic aortic aneurysm and aortic dissection (TAAD). Also called: Thoracic aortic aneurysms and dissections. Identifiers: Orphanet 91387, MedGen C4707243, MONDO:0019625.
Melnick-Needles syndrome (MNS). Also called: MELNICK-NEEDLES OSTEODYSPLASTY; OSTEODYSPLASTY OF MELNICK AND NEEDLES; Melnick-Needles Syndrome (FLNA-MNS). Identifiers: Orphanet 2484, MedGen C0025237, MONDO:0010650, OMIM 309350.
Heterotopia, periventricular, X-linked dominant (PVNH1). Also called: PERIVENTRICULAR NODULAR HETEROTOPIA 1; X-linked periventricular heterotopia; PERIVENTRICULAR NODULAR HETEROTOPIA 4; HETEROTOPIA, PERIVENTRICULAR, 1. Identifiers: Orphanet 2149, Orphanet 82004, MedGen C1848213, MONDO:0010233, OMIM 300049.
Oto-palato-digital syndrome, type II (OPD2). Also called: OPD II SYNDROME; Otopalatodigital Syndrome Type 2 (FLNA-OPD2); Otopalatodigital Syndrome, Type II; FACIOPALATOOSSEOUS SYNDROME. Identifiers: Orphanet 669, Orphanet 90652, MedGen C1844696, MONDO:0010571, OMIM 304120.
Frontometaphyseal dysplasia (FMD1). Identifiers: Orphanet 1826, MedGen C0265293, MONDO:0015942.

Submissions (3):

GeneDx
Classification: Uncertain significance. Last evaluated: 2026-06-16. Review status: criteria provided, single submitter. Criteria: GeneDx Variant Classification Process June 2021. Collection method: clinical testing. Allele origin: germline.
Comment: Not observed at significant frequency in large population cohorts (gnomAD); In silico analysis suggests that this missense variant does not alter protein structure/function; Has not been previously published as pathogenic or benign to our knowledge

Ambry Genetics
Classification: Likely benign for Familial thoracic aortic aneurysm and aortic dissection. Last evaluated: 2026-03-02. Review status: criteria provided, single submitter. Criteria: Ambry Variant Classification Scheme 2023. Collection method: clinical testing. Allele origin: germline.

Labcorp Genetics (formerly Invitae), Labcorp
Classification: Uncertain significance for Oto-palato-digital syndrome, type II; Heterotopia, periventricular, X-linked dominant; Frontometaphyseal dysplasia; Melnick-Needles syndrome. Last evaluated: 2025-07-29. Review status: criteria provided, single submitter. Criteria: Invitae Variant Classification Sherloc (09022015). Collection method: clinical testing. Allele origin: germline.
Comment: This sequence change replaces histidine, which is basic and polar, with proline, which is neutral and non-polar, at codon 2151 of the FLNA protein (p.His2151Pro). This variant is not present in population databases (gnomAD no frequency). This variant has not been reported in the literature in individuals affected with FLNA-related conditions. ClinVar contains an entry for this variant (Variation ID: 3769880). Invitae Evidence Modeling of protein sequence and biophysical properties (such as structural, functional, and spatial information, amino acid conservation, physicochemical variation, residue mobility, and thermodynamic stability) indicates that this missense variant is not expected to disrupt FLNA protein function with a negative predictive value of 95%. In summary, the available evidence is currently insufficient to determine the role of this variant in disease. Therefore, it has been classified as a Variant of Uncertain Significance.

NM_001110556.2(FLNA):c.6476A>C (p.His2159Pro)

Gene: FLNA (filamin A; minus strand). Cytogenetic location: Xq28.
Variant type: single nucleotide variant.
Coding change: c.6476A>C on transcript NM_001110556.2 (MANE Select); coding-DNA position 6476, A replaced by C.
Protein change: p.His2159Pro; replaces histidine 2159 with proline.
Molecular consequence: missense variant.
Genome position (GRCh38, 1-based): chrX:154,352,579, T>G on the plus strand (A>C on the coding strand, the complement: FLNA is on the minus strand). VCF-style: chrX-154352579-T-G. GRCh37 (hg19) VCF-style: chrX-153580947-T-G.
Other names: c.6452A>C, p.His2151Pro (NM_001456.4); short protein forms H2151P, H2159P.
Identifiers: ClinVar variation 3769880 (VCV003769880.4).